The following is an entry in ClinVar:

NM_006269.2(RP1):c.616G>A (p.Val206Ile)

Gene: RP1 (RP1 axonemal microtubule associated; plus strand). Cytogenetic location: 8q12.1.
Variant type: single nucleotide variant.
Coding change: c.616G>A on transcript NM_006269.2 (MANE Select); coding-DNA position 616, G replaced by A.
Protein change: p.Val206Ile; replaces valine 206 with isoleucine.
Molecular consequence: missense variant.
Genome position (GRCh38, 1-based): chr8:54,622,117, G>A. VCF-style: chr8-54622117-G-A. GRCh37 (hg19) VCF-style: chr8-55534677-G-A.
Other names: c.616G>A, p.Val206Ile (NM_001375654.1); short protein forms V206I.
Identifiers: ClinVar variation 1994790 (VCV001994790.4), dbSNP rs2536560027, ClinGen allele CA370987778.
Genomic context (GRCh38, chr8:54,622,117, plus strand): 5'-AAAATTACCACTTAGTATAAAATGTGCTCATCTCAGGATAATGACTCTGGTCTCTTTTAG[G>A]TTCCCAGCCTCCAGGCAGTGATCCTGAGCTCTGGAGCTGTGGTGGCGGCAGGAAGGGAGC-3'
Protein context (NP_006260.1, residues 196-216): VKLYATDGRR[Val206Ile]PSLQAVILSS

ClinVar aggregate classification (germline): Uncertain significance (1 of 4 stars; one submission).

Submission:

Labcorp Genetics (formerly Invitae), Labcorp
Classification: Uncertain significance. Last evaluated: 2022-11-01. Review status: criteria provided, single submitter. Criteria: Invitae Variant Classification Sherloc (09022015). Collection method: clinical testing. Allele origin: germline.
Comment: This sequence change replaces valine, which is neutral and non-polar, with isoleucine, which is neutral and non-polar, at codon 206 of the RP1 protein (p.Val206Ile). This variant is not present in population databases (gnomAD no frequency). This variant has not been reported in the literature in individuals affected with RP1-related conditions. Algorithms developed to predict the effect of missense changes on protein structure and function output the following: SIFT: "Tolerated"; PolyPhen-2: "Possibly Damaging"; Align-GVGD: "Class C0". The isoleucine amino acid residue is found in multiple mammalian species, which suggests that this missense change does not adversely affect protein function. In summary, the available evidence is currently insufficient to determine the role of this variant in disease. Therefore, it has been classified as a Variant of Uncertain Significance.